The following is an entry in ClinVar:

NM_182641.4(BPTF):c.2521C>T (p.Arg841Ter)

Gene: BPTF (bromodomain PHD finger transcription factor; plus strand). Cytogenetic location: 17q24.2.
Variant type: single nucleotide variant.
Coding change: c.2521C>T on transcript NM_182641.4 (MANE Select); coding-DNA position 2521, C replaced by T.
Protein change: p.Arg841Ter; replaces arginine 841 with a stop codon.
Molecular consequence: nonsense.
Genome position (GRCh38, 1-based): chr17:67,894,143, C>T. VCF-style: chr17-67894143-C-T. GRCh37 (hg19) VCF-style: chr17-65890259-C-T.
Other names: c.2899C>T, p.Arg967Ter (NM_004459.7); short protein forms R841*, R967*.
Identifiers: ClinVar variation 3381404 (VCV003381404.2).
Genomic context (GRCh38, chr17:67,894,143, plus strand): 5'-GCATTGGCTTTAGCCATTTTGGAGTGTGCAGTTAAACCAGTTGTGATGCTACCAATATGG[C>T]GAGAATCTTTAGGACATACCAGGTAAATGAATTCTGAGCCTTGTAAATGATGAGTATTGG-3'

ClinVar aggregate classification (germline): Pathogenic. Review status: criteria provided, multiple submitters, no conflicts (2 of 4 stars). 2 submissions from 2 submitters: Pathogenic (2). Last evaluated 2024-05-20.

Conditions:
Intellectual disability. Also called: Intellectual functioning disability; intellectual disabilities; Intellectual developmental disorder. Identifiers: MedGen C3714756, MeSH D008607, MONDO:0001071, HP:0001249.

Submissions (2):

GeneDx
Classification: Pathogenic. Last evaluated: 2024-05-20. Review status: criteria provided, single submitter. Criteria: GeneDx Variant Classification Process June 2021. Collection method: clinical testing. Allele origin: germline. Affected: yes.
Comment: Nonsense variant predicted to result in protein truncation or nonsense mediated decay in a gene for which loss of function is a known mechanism of disease; Not observed at significant frequency in large population cohorts (gnomAD); Has not been previously published as pathogenic or benign to our knowledge

Cambridge Genomics Laboratory, East Genomic Laboratory Hub, NHS Genomic Medicine Service
Classification: Pathogenic for Intellectual disability. Last evaluated: 2020-06-29. Review status: criteria provided, single submitter. Criteria: ACGS Best Practice Guidelines for Variant Classification in Rare Disease 2020. Collection method: clinical testing. Allele origin: germline. Affected: yes. Observed: 1 variant allele.